The following is an entry in ClinVar:

NM_001040431.3(COA3):c.247C>T (p.Arg83Cys)

Gene: COA3 (cytochrome c oxidase assembly factor 3; minus strand). Cytogenetic location: 17q21.2.
Variant type: single nucleotide variant.
Coding change: c.247C>T on transcript NM_001040431.3 (MANE Select); coding-DNA position 247, C replaced by T.
Protein change: p.Arg83Cys; replaces arginine 83 with cysteine.
Molecular consequence: missense variant.
Genome position (GRCh38, 1-based): chr17:42,798,135, G>A on the plus strand (C>T on the coding strand, the complement: COA3 is on the minus strand). VCF-style: chr17-42798135-G-A. GRCh37 (hg19) VCF-style: chr17-40950153-G-A.
Other names: short protein forms R83C.
Identifiers: ClinVar variation 4699656 (VCV004699656.1).
Genomic context (GRCh38, chr17:42,798,135, plus strand): 5'-CCCTTGCCAGAGCTCGGGCTCGGGCAGCTTTGGCCTCGTCTTCTAGCTCATCTAGGAAAC[G>A]CTCCTGGGAAATCGAGTAGAAGGTGTAACCATCTGGGGAGGTAGGTTCAGGAAACCACAC-3'
Protein context (NP_001035521.1, residues 73-93): GYTFYSISQE[Arg83Cys]FLDELEDEAK

ClinVar aggregate classification (germline): Uncertain significance (1 of 4 stars; one submission).

Submission:

Labcorp Genetics (formerly Invitae), Labcorp
Classification: Uncertain significance. Last evaluated: 2025-09-09. Review status: criteria provided, single submitter. Criteria: Invitae Variant Classification Sherloc (09022015). Collection method: clinical testing. Allele origin: germline.
Comment: This sequence change replaces arginine, which is basic and polar, with cysteine, which is neutral and slightly polar, at codon 83 of the COA3 protein (p.Arg83Cys). This variant is present in population databases (no rsID available, gnomAD 0.003%). This variant has not been reported in the literature in individuals affected with COA3-related conditions. An algorithm developed to predict the effect of missense changes on protein structure and function (PolyPhen-2) suggests that this variant is likely to be disruptive. In summary, the available evidence is currently insufficient to determine the role of this variant in disease. Therefore, it has been classified as a Variant of Uncertain Significance.